The following is an entry in ClinVar:

NM_000061.3(BTK):c.1763G>T (p.Trp588Leu)

Gene: BTK (Bruton tyrosine kinase; minus strand). Cytogenetic location: Xq22.1.
Variant type: single nucleotide variant.
Coding change: c.1763G>T on transcript NM_000061.3 (MANE Select); coding-DNA position 1763, G replaced by T.
Protein change: p.Trp588Leu; replaces tryptophan 588 with leucine.
Molecular consequence: missense variant.
Genome position (GRCh38, 1-based): chrX:101,353,339, C>A on the plus strand (G>T on the coding strand, the complement: BTK is on the minus strand). VCF-style: chrX-101353339-C-A. GRCh37 (hg19) VCF-style: chrX-100608327-C-A.
Other names: c.1865G>T, p.Trp622Leu (NM_001287344.2); c.1235G>T, p.Trp412Leu (NM_001287345.2); short protein forms W412L, W622L, W588L.
Identifiers: ClinVar variation 1493291 (VCV001493291.8), dbSNP rs1603001805, ClinGen allele CA413919556.

ClinVar aggregate classification (germline): Likely pathogenic (1 of 4 stars; one submission).

Conditions:
X-linked agammaglobulinemia with growth hormone deficiency (IGHD3). Also called: Isolated growth hormone deficiency type 3; Growth hormone deficiency with hypogammaglobulinemia; AGAMMAGLOBULINEMIA AND ISOLATED GROWTH HORMONE DEFICIENCY, X-LINKED; FLEISHER SYNDROME; HYPOGAMMAGLOBULINEMIA AND ISOLATED GROWTH HORMONE DEFICIENCY, X-LINKED; IGHD III. Identifiers: Orphanet 231692, Orphanet 631, MedGen C0472813, MONDO:0010615, OMIM 307200.

Submission:

Labcorp Genetics (formerly Invitae), Labcorp
Classification: Likely pathogenic for X-linked agammaglobulinemia with growth hormone deficiency. Last evaluated: 2020-12-24. Review status: criteria provided, single submitter. Criteria: Invitae Variant Classification Sherloc (09022015). Collection method: clinical testing. Allele origin: germline.
Comment: In summary, the currently available evidence indicates that the variant is pathogenic, but additional data are needed to prove that conclusively. Therefore, this variant has been classified as Likely Pathogenic. This variant disrupts the p.Trp588 amino acid residue in BTK. Other variant(s) that disrupt this residue have been observed in individuals with BTK-related conditions (PMID: 14974089, 17045652, 26931785), which suggests that this may be a clinically significant amino acid residue. Advanced modeling of protein sequence and biophysical properties (such as structural, functional, and spatial information, amino acid conservation, physicochemical variation, residue mobility, and thermodynamic stability) performed at Invitae indicates that this missense variant is expected to disrupt BTK protein function. This variant has not been reported in the literature in individuals with BTK-related conditions. This variant is not present in population databases (ExAC no frequency). This sequence change replaces tryptophan with leucine at codon 588 of the BTK protein (p.Trp588Leu). The tryptophan residue is highly conserved and there is a small physicochemical difference between tryptophan and leucine.

Literature cited by the submitters: PubMed 14974089; PubMed 17045652; PubMed 26931785.